The following is an entry in ClinVar:

NM_021120.4(DLG3):c.476G>A (p.Gly159Asp)

Gene: DLG3 (discs large MAGUK scaffold protein 3; plus strand). Cytogenetic location: Xq13.1.
Variant type: single nucleotide variant.
Coding change: c.476G>A on transcript NM_021120.4 (MANE Select); coding-DNA position 476, G replaced by A.
Protein change: p.Gly159Asp; replaces glycine 159 with aspartic acid.
Molecular consequence: missense variant.
Genome position (GRCh38, 1-based): chrX:70,449,426, G>A. VCF-style: chrX-70449426-G-A. GRCh37 (hg19) VCF-style: chrX-69669276-G-A.
Other names: short protein forms G159D.
Identifiers: ClinVar variation 4851413 (VCV004851413.1).

ClinVar aggregate classification (germline): Uncertain significance (1 of 4 stars; one submission).

Conditions:
Intellectual developmental disorder, X-linked 90. Also called: DLG3-Related X-Linked Nonsyndromic Mental Retardation; Intellectual disability, X-linked 90. Identifiers: Orphanet 777, MedGen C3275443, MONDO:0010452, OMIM 300850.

Submission:

Institute of Immunology and Genetics Kaiserslautern
Classification: Uncertain significance for Intellectual developmental disorder, X-linked 90. Last evaluated: 2026-02-11. Review status: criteria provided, single submitter. Criteria: ACMG Guidelines, 2015. Collection method: clinical testing. Allele origin: germline. Affected: yes.
Comment: ACMG Criteria: PM2_P; Variant was found in hemizygous state.